The following is an entry in ClinVar:

ClinVar aggregate classification (germline): Likely pathogenic (1 of 4 stars; one submission).

Conditions:
Palmoplantar keratoderma i, striate, focal, or diffuse. Also called: KERATOSIS PALMOPLANTARIS STRIATA I; KERATODERMA, PALMOPLANTAR, STRIATE FORM I; STRIATE PALMOPLANTAR KERATODERMA I; PALMOPLANTAR KERATODERMA I, STRIATE OR DIFFUSE; PALMOPLANTAR KERATODERMA I, FOCAL; Keratosis Palmoplantaris Striata I, AD. Identifiers: Orphanet 369999, Orphanet 370002, MedGen C2931122, MONDO:0007859, OMIM 148700.

Submission:

Department of Clinical Genetics, Copenhagen University Hospital, Rigshospitalet
Classification: Likely pathogenic for Palmoplantar keratoderma i, striate, focal, or diffuse. Last evaluated: 2025-10-22. Review status: criteria provided, single submitter. Criteria: ACMG Guidelines, 2015. Collection method: clinical testing. Allele origin: germline.
Comment: The following ACMG criteria has been used: PVS1, PM2_su

NM_001942.4(DSG1):c.1947_1950del (p.Glu649_Arg650insTer)

Genes: DSG1 (desmoglein 1; plus strand), DSG1-AS1 (DSG1 antisense RNA 1; minus strand). Cytogenetic location: 18q12.1.
Variant type: Microsatellite.
Coding change: c.1947_1950del on transcript NM_001942.4 (MANE Select); coding-DNA positions 1947 to 1950, 4 bases deleted (GAGA; older notation c.1947_1950delGAGA).
Protein change: p.Glu649_Arg650insTer.
Molecular consequence: frameshift variant.
Genome position (GRCh38, 1-based): chr18:31,346,045-31,346,048, GAGA deleted; deleting any 4 consecutive bases within chr18:31,346,041-31,346,048 gives the same sequence; the c. name uses the placement nearest the transcript's 3' end. VCF-style (leftmost placement, unchanged base first): chr18-31346040-GGAGA-G. GRCh37 (hg19) VCF-style: chr18-28926003-GGAGA-G.
Other names: c.1947_1950delGAGA (NM_001942.4).
Identifiers: ClinVar variation 4531173 (VCV004531173.1).